The following is an entry in ClinVar:

NM_020822.3(KCNT1):c.3340C>T (p.Arg1114Trp)

Gene: KCNT1 (potassium sodium-activated channel subfamily T member 1; plus strand). Cytogenetic location: 9q34.3.
Variant type: single nucleotide variant.
Coding change: c.3340C>T on transcript NM_020822.3 (MANE Select); coding-DNA position 3340, C replaced by T.
Protein change: p.Arg1114Trp; replaces arginine 1114 with tryptophan.
Molecular consequence: missense variant.
Genome position (GRCh38, 1-based): chr9:135,786,359, C>T. VCF-style: chr9-135786359-C-T. GRCh37 (hg19) VCF-style: chr9-138678205-C-T.
Other names: c.3205C>T, p.Arg1069Trp (NM_001272003.2); short protein forms R1114W, R1069W.
Identifiers: ClinVar variation 211243 (VCV000211243.50), dbSNP rs370085077, ClinGen allele CA205412.

ClinVar aggregate classification (germline): Benign/Likely benign. Review status: criteria provided, multiple submitters, no conflicts (2 of 4 stars). 11 submissions from 10 submitters: Benign (1); Likely benign (9). 1 of the submissions does not count toward it. Last evaluated 2026-06-29.

Conditions:
Developmental and epileptic encephalopathy, 14 (DEE14). Also called: Early infantile epileptic encephalopathy 14. Identifiers: Orphanet 293181, MedGen C3554195, MONDO:0013989, OMIM 614959.
Autosomal dominant nocturnal frontal lobe epilepsy 5. Also called: CILIARY DYSKINESIA, PRIMARY, 28, WITHOUT SITUS INVERSUS; CILIARY DYSKINESIA, PRIMARY, 28, WITH SITUS INVERSUS; Epilepsy, nocturnal frontal lobe, 5; KCNT1-Related Epilepsy. Identifiers: Orphanet 98784, MedGen C3554306, MONDO:0014002, OMIM 615005.
KCNT1-related disorder. Also called: KCNT1-related condition.
Inborn genetic diseases. Identifiers: MedGen C0950123, MeSH D030342.

Allele frequency attached by ClinVar (database versions not stated): ESP Exome Variant Server 0.00009; 1000 Genomes Project 0.00020; 1000 Genomes Project 30x 0.00031; gnomAD 0.00037; ExAC 0.00046; TOPMed 0.00059.
gnomAD v4.1: 797 of 1,582,344 alleles (0.05%); highest among the groups gnomAD compares: Admixed American, 0.088%; no homozygotes.

Submissions (11):

Women's Health and Genetics/Laboratory Corporation of America, LabCorp
Classification: Likely benign. Last evaluated: 2026-06-29. Review status: criteria provided, single submitter. Criteria: LabCorp Variant Classification Summary - May 2015. Collection method: clinical testing. Allele origin: germline.
Comment: Variant summary: KCNT1 c.3340C>T (p.Arg1114Trp) results in a non-conservative amino acid change in the encoded protein sequence. Algorithms developed to predict the effect of missense changes on protein structure and function are either unavailable or do not agree on the potential impact of this missense change. The variant allele was found at a frequency of 0.00034 in 181208 control chromosomes (gnomAD). The occurrence in many unaffected controls suggests it is a benign polymorphism. c.3340C>T has been observed with a co-occurring de novo variant in this gene in an individual affected with Developmental And Epileptic Encephalopathy, 14 (Numis_2018, Burgess_2019). These reports do not provide unequivocal conclusions about association of the variant with disease. One publication reports experimental evidence evaluating an impact on protein function, however, does not allow convincing conclusions about the variant effect (Numis_2018). The following publications have been ascertained in the context of this evaluation (PMID: 31618474, 30182418). ClinVar contains an entry for this variant (Variation ID: 211243). Based on the evidence outlined above, the variant was classified as likely benign.

Labcorp Genetics (formerly Invitae), Labcorp
Classification: Likely benign for Autosomal dominant nocturnal frontal lobe epilepsy 5; Developmental and epileptic encephalopathy, 14. Last evaluated: 2026-02-02. Review status: criteria provided, single submitter. Criteria: Invitae Variant Classification Sherloc (09022015). Collection method: clinical testing. Allele origin: germline.

CeGaT Center for Human Genetics Tuebingen
Classification: Benign. Last evaluated: 2025-03-01. Review status: criteria provided, single submitter. Criteria: CeGaT Center For Human Genetics Tuebingen Variant Classification Criteria Version 2. Collection method: clinical testing. Allele origin: germline. Affected: yes. Observed: 3 variant alleles.
Comment: KCNT1: BS1, BS2

Blueprint Genetics
Classification: Likely benign. Last evaluated: 2024-11-11. Review status: criteria provided, single submitter. Criteria: ACMG Guidelines, 2015. Collection method: clinical testing. Allele origin: germline.

Genome-Nilou Lab
Classification: Likely benign for Developmental and epileptic encephalopathy, 14. Last evaluated: 2022-03-15. Review status: criteria provided, single submitter. Criteria: ACMG Guidelines, 2015. Collection method: clinical testing. Allele origin: germline. Affected: no.

Genome-Nilou Lab
Classification: Likely benign for Autosomal dominant nocturnal frontal lobe epilepsy 5. Last evaluated: 2022-03-15. Review status: criteria provided, single submitter. Criteria: ACMG Guidelines, 2015. Collection method: clinical testing. Allele origin: germline. Affected: no.

GeneDx
Classification: Likely benign. Last evaluated: 2021-11-15. Review status: criteria provided, single submitter. Criteria: GeneDx Variant Classification Process June 2021. Collection method: clinical testing. Allele origin: germline. Affected: yes.

Ambry Genetics
Classification: Likely benign for Inborn genetic diseases. Last evaluated: 2019-05-03. Review status: criteria provided, single submitter. Criteria: Ambry Variant Classification Scheme 2023. Collection method: clinical testing. Allele origin: germline.

Center for Pediatric Genomic Medicine, Children's Mercy Hospital and Clinics
Classification: Likely benign. Last evaluated: 2017-04-03. Review status: criteria provided, single submitter. Criteria: ACMG Guidelines, 2015. Collection method: clinical testing. Allele origin: germline.

Genetic Services Laboratory, University of Chicago
Classification: Likely benign. Last evaluated: 2015-03-30. Review status: criteria provided, single submitter. Criteria: ACMG Guidelines, 2015. Collection method: clinical testing. Allele origin: germline.

PreventionGenetics, part of Exact Sciences
Classification: Likely benign for KCNT1-related condition. Last evaluated: 2020-09-17. Review status: no assertion criteria provided. Collection method: clinical testing. Allele origin: germline. Not counted in ClinVar's aggregate classification.
Comment: This variant is classified as likely benign based on ACMG/AMP sequence variant interpretation guidelines (Richards et al. 2015 PMID: 25741868, with internal and published modifications).

Literature cited by the submitters: PubMed 31618474 (cited by Women's Health and Genetics/Laboratory Corporation of America, LabCorp); PubMed 30182418 (cited by Women's Health and Genetics/Laboratory Corporation of America, LabCorp).